The following is an entry in ClinVar:

NM_031433.4(MFRP):c.322G>A (p.Gly108Arg)

Genes: C1QTNF5 (C1q and TNF related 5; minus strand), MFRP (membrane frizzled-related protein; minus strand). Cytogenetic location: 11q23.3.
Variant type: single nucleotide variant.
Coding change: c.322G>A on transcript NM_031433.4 (MANE Select); coding-DNA position 322, G replaced by A.
Protein change: p.Gly108Arg; replaces glycine 108 with arginine.
Molecular consequence: missense variant. On other transcripts: 5 prime UTR variant (1).
Genome position (GRCh38, 1-based): chr11:119,345,878, C>T on the plus strand (G>A on the coding strand, the complement: MFRP is on the minus strand). VCF-style: chr11-119345878-C-T. GRCh37 (hg19) VCF-style: chr11-119216588-C-T.
Other names: c.-2315G>A (NM_015645.5); short protein forms G108R.
Identifiers: ClinVar variation 1401946 (VCV001401946.6), dbSNP rs138458503, ClinGen allele CA6320612.
Genomic context (GRCh38, chr11:119,345,878, plus strand): 5'-GGGTCCCAGCTGCCTGAGAGGTGGTGATGGTGGGGGTGGTGGTGGTCGTGGTAAGGCCTC[C>T]GGCAGGCAGTGGGCTATGGGACGCCCCAGATGGGGGTGCAGCCTGCAGCTCTGGAGGCGA-3'
Protein context (NP_113621.1, residues 98-118): SGASHSPLPA[Gly108Arg]GLTTTTTTPT

ClinVar aggregate classification (germline): Uncertain significance (1 of 4 stars; one submission).

Conditions:
Isolated microphthalmia 5. Also called: Posterior Microphthalmia with Retinitis Pigmentosa, Foveoschisis, and Optic Disc Drusen. Identifiers: Orphanet 251279, MedGen C1970236, MONDO:0012605, OMIM 611040.

Allele frequency attached by ClinVar (database versions not stated): gnomAD exomes below 0.00001 and 0.00002; gnomAD 0.00001; ExAC 0.00002; ESP Exome Variant Server 0.00008; TOPMed 0.00002.
gnomAD v4.1: 8 of 1,613,426 alleles (0.0005%); highest among the groups gnomAD compares: African/African-American, 0.0013%; no homozygotes.

Submission:

Labcorp Genetics (formerly Invitae), Labcorp
Classification: Uncertain significance for Isolated microphthalmia 5. Last evaluated: 2022-09-27. Review status: criteria provided, single submitter. Criteria: Invitae Variant Classification Sherloc (09022015). Collection method: clinical testing. Allele origin: germline.
Comment: In summary, the available evidence is currently insufficient to determine the role of this variant in disease. Therefore, it has been classified as a Variant of Uncertain Significance. This sequence change replaces glycine, which is neutral and non-polar, with arginine, which is basic and polar, at codon 108 of the MFRP protein (p.Gly108Arg). This variant is present in population databases (rs138458503, gnomAD 0.005%). This variant has not been reported in the literature in individuals affected with MFRP-related conditions. ClinVar contains an entry for this variant (Variation ID: 1401946). Advanced modeling of protein sequence and biophysical properties (such as structural, functional, and spatial information, amino acid conservation, physicochemical variation, residue mobility, and thermodynamic stability) performed at Invitae indicates that this missense variant is not expected to disrupt MFRP protein function. Algorithms developed to predict the effect of sequence changes on RNA splicing suggest that this variant may create or strengthen a splice site.